The following is an entry in ClinVar:

NM_006206.6(PDGFRA):c.1204G>A (p.Val402Met)

Gene: PDGFRA (platelet derived growth factor receptor alpha; plus strand). Cytogenetic location: 4q12.
Variant type: single nucleotide variant.
Coding change: c.1204G>A on transcript NM_006206.6 (MANE Select); coding-DNA position 1204, G replaced by A.
Protein change: p.Val402Met; replaces valine 402 with methionine.
Molecular consequence: missense variant.
Genome position (GRCh38, 1-based): chr4:54,270,715, G>A. VCF-style: chr4-54270715-G-A. GRCh37 (hg19) VCF-style: chr4-55136882-G-A.
Other names: c.1204G>A, p.Val402Met (NM_001347827.2, NM_001347829.2); c.1279G>A, p.Val427Met (NM_001347828.2); c.1243G>A, p.Val415Met (NM_001347830.2); short protein forms V415M, V402M, V427M.
Identifiers: ClinVar variation 3930187 (VCV003930187.1).
Genomic context (GRCh38, chr4:54,270,715, plus strand): 5'-ATCCGTGCTAAGGAAGAAGACAGTGGCCATTATACTATTGTAGCTCAAAATGAAGATGCT[G>A]TGAAGAGCTATACTTTTGAACTGTTAACTCAAGGTATGTAAAGGGAGTATAAAGATAATG-3'
Protein context (NP_006197.1, residues 392-412): YTIVAQNEDA[Val402Met]KSYTFELLTQ

ClinVar aggregate classification (germline): Uncertain significance (1 of 4 stars; one submission).

Conditions:
Hereditary cancer-predisposing syndrome. Also called: Tumor predisposition; Hereditary neoplastic syndrome; Hereditary Cancer Syndrome; Neoplastic Syndromes, Hereditary. Identifiers: Orphanet 140162, MedGen C0027672, MeSH D009386, MONDO:0015356.

Submission:

Ambry Genetics
Classification: Uncertain significance for Hereditary cancer-predisposing syndrome. Last evaluated: 2025-03-24. Review status: criteria provided, single submitter. Criteria: Ambry Variant Classification Scheme 2023. Collection method: clinical testing. Allele origin: germline.
Comment: The p.V402M variant (also known as c.1204G>A), located in coding exon 7 of the PDGFRA gene, results from a G to A substitution at nucleotide position 1204. The valine at codon 402 is replaced by methionine, an amino acid with highly similar properties. This amino acid position is conserved. In addition, this alteration is predicted to be tolerated by in silico analysis. Based on the available evidence, the clinical significance of this variant remains unclear.